The following is an entry in ClinVar:

ClinVar aggregate classification (germline): Pathogenic (1 of 4 stars; one submission).

Conditions:
Fanconi anemia (FA). Also called: Fanconi's anemia. Identifiers: Orphanet 84, MedGen C0015625, MeSH D005199, MONDO:0019391.

Submission:

Labcorp Genetics (formerly Invitae), Labcorp
Classification: Pathogenic for Fanconi anemia. Last evaluated: 2020-10-20. Review status: criteria provided, single submitter. Criteria: Invitae Variant Classification Sherloc (09022015). Collection method: clinical testing. Allele origin: germline.
Comment: For these reasons, this variant has been classified as Pathogenic. This variant disrupts the C-terminus of the FANCM protein. Other variant(s) that disrupt this region (p.Arg1931*) have been determined to be pathogenic (PMID: 30075111, 28837162, 26130695, 28702895, 17289582, 23932590, 18174376, 19379763, 24003026). This suggests that variants that disrupt this region of the protein are likely to be causative of disease. This variant has not been reported in the literature in individuals with FANCM-related conditions. This variant is a gross deletion of the genomic region encompassing exon(s) 13-23 of the FANCM gene. The 5' boundary is likely confined to intron 12. The 3' end of this event is unknown as it extends through the termination codon beyond the assayed region for this gene and may encompass additional genes. While this deletion is not anticipated to result in nonsense mediated decay, it is expected to create a truncated protein product or disrupt mRNA translation.

Literature cited by the submitters: PubMed 30075111; PubMed 28837162; PubMed 26130695; PubMed 28702895; PubMed 17289582; PubMed 23932590; PubMed 18174376; PubMed 19379763; PubMed 24003026.

NC_000014.8:g.(?_45642248)_(45669211_?)del

Gene: FANCM (FA complementation group M; plus strand). Cytogenetic location: 14q21.2.
Variant type: Deletion.
Identifiers: ClinVar variation 1069355 (VCV001069355.7).